The following is an entry in ClinVar:

NM_152384.3(BBS5):c.17C>A (p.Ala6Glu)

Genes: BBS5 (Bardet-Biedl syndrome 5; plus strand), LOC129935068 (ATAC-STARR-seq lymphoblastoid active region 16738; plus strand). Cytogenetic location: 2q31.1.
Variant type: single nucleotide variant.
Coding change: c.17C>A on transcript NM_152384.3 (MANE Select); coding-DNA position 17, C replaced by A.
Protein change: p.Ala6Glu; replaces alanine 6 with glutamic acid.
Molecular consequence: missense variant.
Genome position (GRCh38, 1-based): chr2:169,479,570, C>A. VCF-style: chr2-169479570-C-A. GRCh37 (hg19) VCF-style: chr2-170336080-C-A.
Other names: short protein forms A6E.
Identifiers: ClinVar variation 2088237 (VCV002088237.4), dbSNP rs1307558837, ClinGen allele CA349158650.

ClinVar aggregate classification (germline): Uncertain significance (1 of 4 stars; one submission).

Conditions:
Bardet-Biedl syndrome (BBS). Identifiers: Orphanet 110, MedGen C0752166, MONDO:0015229.

Submission:

Labcorp Genetics (formerly Invitae), Labcorp
Classification: Uncertain significance for Bardet-Biedl syndrome. Last evaluated: 2022-01-19. Review status: criteria provided, single submitter. Criteria: Invitae Variant Classification Sherloc (09022015). Collection method: clinical testing. Allele origin: germline.
Comment: This variant is not present in population databases (gnomAD no frequency). In summary, the available evidence is currently insufficient to determine the role of this variant in disease. Therefore, it has been classified as a Variant of Uncertain Significance. Algorithms developed to predict the effect of missense changes on protein structure and function (SIFT, PolyPhen-2, Align-GVGD) all suggest that this variant is likely to be tolerated. This variant has not been reported in the literature in individuals affected with BBS5-related conditions. This sequence change replaces alanine, which is neutral and non-polar, with glutamic acid, which is acidic and polar, at codon 6 of the BBS5 protein (p.Ala6Glu).